The following is an entry in ClinVar:

NM_206933.4(USH2A):c.4946G>T (p.Gly1649Val)

Genes: USH2A (usherin; minus strand), USH2A-AS2 (USH2A antisense RNA 2; plus strand). Cytogenetic location: 1q41.
Variant type: single nucleotide variant.
Coding change: c.4946G>T on transcript NM_206933.4 (MANE Select); coding-DNA position 4946, G replaced by T.
Protein change: p.Gly1649Val; replaces glycine 1649 with valine.
Molecular consequence: missense variant. On other transcripts: non-coding transcript variant (2).
Genome position (GRCh38, 1-based): chr1:216,086,760, C>A on the plus strand (G>T on the coding strand, the complement: USH2A is on the minus strand). VCF-style: chr1-216086760-C-A. GRCh37 (hg19) VCF-style: chr1-216260102-C-A.
Other names: short protein forms G1649V.
Identifiers: ClinVar variation 2808297 (VCV002808297.3), dbSNP rs1558251710, ClinGen allele CA344859778.

ClinVar aggregate classification (germline): Uncertain significance (1 of 4 stars; one submission).

Allele frequency attached by ClinVar (database versions not stated): gnomAD exomes below 0.00001.
gnomAD v4.1: 1 of 1,613,036 alleles (0.000062%); highest among the groups gnomAD compares: African/African-American, 0.0013%; no homozygotes.

Submission:

Labcorp Genetics (formerly Invitae), Labcorp
Classification: Uncertain significance. Last evaluated: 2025-07-31. Review status: criteria provided, single submitter. Criteria: Invitae Variant Classification Sherloc (09022015). Collection method: clinical testing. Allele origin: germline.
Comment: This sequence change replaces glycine, which is neutral and non-polar, with valine, which is neutral and non-polar, at codon 1649 of the USH2A protein (p.Gly1649Val). This variant is not present in population databases (gnomAD no frequency). This variant has not been reported in the literature in individuals affected with USH2A-related conditions. ClinVar contains an entry for this variant (Variation ID: 2808297). Invitae Evidence Modeling of protein sequence and biophysical properties (such as structural, functional, and spatial information, amino acid conservation, physicochemical variation, residue mobility, and thermodynamic stability) indicates that this missense variant is expected to disrupt USH2A protein function with a positive predictive value of 95%. In summary, the available evidence is currently insufficient to determine the role of this variant in disease. Therefore, it has been classified as a Variant of Uncertain Significance.